The following is an entry in ClinVar:

NC_000016.10:g.(?_87904766)_(87904924_?)del

Gene: CA5A (carbonic anhydrase 5A; minus strand). Cytogenetic location: 16q24.2.
Variant type: Deletion.
Identifiers: ClinVar variation 832389 (VCV000832389.5).

ClinVar aggregate classification (germline): Pathogenic (1 of 4 stars; one submission).

Conditions:
Hyperammonemic encephalopathy due to carbonic anhydrase VA deficiency. Also called: Carbonic Anhydrase VA Deficiency; Carbonic anhydrase VA deficiency, hyperammonemia due to. Identifiers: Orphanet 401948, MedGen C4706871, MONDO:0014332, OMIM 615751.

Submission:

Labcorp Genetics (formerly Invitae), Labcorp
Classification: Pathogenic for Hyperammonemic encephalopathy due to carbonic anhydrase VA deficiency. Last evaluated: 2019-11-16. Review status: criteria provided, single submitter. Criteria: Invitae Variant Classification Sherloc (09022015). Collection method: clinical testing. Allele origin: germline.
Comment: For these reasons, this variant has been classified as Pathogenic. Loss-of-function variants in CA5A are known to be pathogenic (PMID: 24530203, 26913920). This variant has not been reported in the literature in individuals with CA5A-related conditions. This variant is an out-of-frame deletion of the genomic region encompassing exon 3 of the CA5A gene. This is expected to create a premature translational stop signal and result in an absent or disrupted protein product.

Literature cited by the submitters: PubMed 24530203; PubMed 26913920.